The following is an entry in ClinVar:

ClinVar aggregate classification (germline): Uncertain significance (1 of 4 stars; one submission).

Conditions:
Lower motor neuron syndrome with late-adult onset (SMAJ). Also called: Spinal muscular atrophy, Jokela type; Late-Onset Spinal Motor Neuronopathy (SMAJ). Identifiers: Orphanet 276435, MedGen C3554398, MONDO:0014025, OMIM 615048.
Frontotemporal dementia and/or amyotrophic lateral sclerosis 2. Also called: FTDALS2. Identifiers: Orphanet 275872, MedGen C4014648, MONDO:0014395, OMIM 615911.
Autosomal dominant mitochondrial myopathy with exercise intolerance (IMMD). Also called: Myopathy, isolated mitochondrial, autosomal dominant. Identifiers: Orphanet 457050, MedGen C4015513, MONDO:0014532, OMIM 616209.

Allele frequency attached by ClinVar (database versions not stated): gnomAD exomes below 0.00001; ExAC 0.00002.
gnomAD v4.1: 1 of 1,587,198 alleles (0.000063%); highest among the groups gnomAD compares: Non-Finnish European, 0.000086%; no homozygotes.

Submission:

Labcorp Genetics (formerly Invitae), Labcorp
Classification: Uncertain significance for Lower motor neuron syndrome with late-adult onset; Frontotemporal dementia and/or amyotrophic lateral sclerosis 2; Autosomal dominant mitochondrial myopathy with exercise intolerance. Last evaluated: 2022-10-26. Review status: criteria provided, single submitter. Criteria: Invitae Variant Classification Sherloc (09022015). Collection method: clinical testing. Allele origin: germline.
Comment: This sequence change replaces glycine, which is neutral and non-polar, with glutamic acid, which is acidic and polar, at codon 54 of the CHCHD10 protein (p.Gly54Glu). The frequency data for this variant in the population databases is considered unreliable, as metrics indicate poor data quality at this position in the gnomAD database. This variant has not been reported in the literature in individuals affected with CHCHD10-related conditions. Algorithms developed to predict the effect of missense changes on protein structure and function are either unavailable or do not agree on the potential impact of this missense change (SIFT: "Tolerated"; PolyPhen-2: "Probably Damaging"; Align-GVGD: "Class C0"). In summary, the available evidence is currently insufficient to determine the role of this variant in disease. Therefore, it has been classified as a Variant of Uncertain Significance.

NM_213720.3(CHCHD10):c.161G>A (p.Gly54Glu)

Gene: CHCHD10 (coiled-coil-helix-coiled-coil-helix domain containing 10; minus strand). Cytogenetic location: 22q11.23.
Variant type: single nucleotide variant.
Coding change: c.161G>A on transcript NM_213720.3 (MANE Select); coding-DNA position 161, G replaced by A.
Protein change: p.Gly54Glu; replaces glycine 54 with glutamic acid.
Molecular consequence: missense variant. On other transcripts: non-coding transcript variant (1).
Genome position (GRCh38, 1-based): chr22:23,767,474, C>T on the plus strand (G>A on the coding strand, the complement: CHCHD10 is on the minus strand). VCF-style: chr22-23767474-C-T. GRCh37 (hg19) VCF-style: chr22-24109661-C-T.
Other names: c.161G>A, p.Gly54Glu (NM_001301339.2); short protein forms G54E.
Identifiers: ClinVar variation 2170958 (VCV002170958.4), dbSNP rs775004786, ClinGen allele CA10145304.